The following is an entry in ClinVar:

ClinVar aggregate classification (germline): Uncertain significance. Review status: criteria provided, multiple submitters, no conflicts (2 of 4 stars). 3 submissions from 3 submitters: Uncertain significance (3). Last evaluated 2025-01-17.

Conditions:
Aortic aneurysm, familial thoracic 7 (AAT7). Also called: AORTIC DISSECTION, FAMILIAL, WITH OR WITHOUT AORTIC ANEURYSM. Identifiers: MedGen C3151077, MONDO:0013418, OMIM 613780.
Familial thoracic aortic aneurysm and aortic dissection (TAAD). Also called: Thoracic aortic aneurysms and dissections. Identifiers: Orphanet 91387, MedGen C4707243, MONDO:0019625.

Allele frequency attached by ClinVar (database versions not stated): gnomAD exomes 0.00002; ExAC 0.00004; TOPMed 0.00006; gnomAD 0.00007.
gnomAD v4.1: 45 of 1,614,044 alleles (0.0028%); highest among the groups gnomAD compares: Admixed American, 0.025%; no homozygotes.

Submissions (3):

Labcorp Genetics (formerly Invitae), Labcorp
Classification: Uncertain significance for Aortic aneurysm, familial thoracic 7. Last evaluated: 2025-01-17. Review status: criteria provided, single submitter. Criteria: Invitae Variant Classification Sherloc (09022015). Collection method: clinical testing. Allele origin: germline.
Comment: This sequence change replaces phenylalanine, which is neutral and non-polar, with valine, which is neutral and non-polar, at codon 669 of the MYLK protein (p.Phe669Val). This variant is present in population databases (rs755957947, gnomAD 0.01%). This variant has not been reported in the literature in individuals affected with MYLK-related conditions. ClinVar contains an entry for this variant (Variation ID: 2066676). Invitae Evidence Modeling of protein sequence and biophysical properties (such as structural, functional, and spatial information, amino acid conservation, physicochemical variation, residue mobility, and thermodynamic stability) has been performed for this missense variant. However, the output from this modeling did not meet the statistical confidence thresholds required to predict the impact of this variant on MYLK protein function. In summary, the available evidence is currently insufficient to determine the role of this variant in disease. Therefore, it has been classified as a Variant of Uncertain Significance.

Ambry Genetics
Classification: Uncertain significance for Familial thoracic aortic aneurysm and aortic dissection. Last evaluated: 2024-11-15. Review status: criteria provided, single submitter. Criteria: Ambry Variant Classification Scheme 2023. Collection method: clinical testing. Allele origin: germline.

Revvity Omics, Revvity
Classification: Uncertain significance. Last evaluated: 2019-12-23. Review status: criteria provided, single submitter. Criteria: ACMG Guidelines, 2015. Collection method: clinical testing. Allele origin: germline.

NM_053025.4(MYLK):c.2005T>G (p.Phe669Val)

Gene: MYLK (myosin light chain kinase; minus strand). Cytogenetic location: 3q21.1.
Variant type: single nucleotide variant.
Coding change: c.2005T>G on transcript NM_053025.4 (MANE Select); coding-DNA position 2005, T replaced by G.
Protein change: p.Phe669Val; replaces phenylalanine 669 with valine.
Molecular consequence: missense variant.
Genome position (GRCh38, 1-based): chr3:123,708,833, A>C on the plus strand (T>G on the coding strand, the complement: MYLK is on the minus strand). VCF-style: chr3-123708833-A-C. GRCh37 (hg19) VCF-style: chr3-123427680-A-C.
Other names: c.2005T>G (NM_053025.3); c.1477T>G, p.Phe493Val (NM_001321309.2); c.1798T>G, p.Phe600Val (NM_053026.4, NM_053028.4); c.2005T>G, p.Phe669Val (NM_053027.4); short protein forms F669V, F493V, F600V.
Identifiers: ClinVar variation 2066676 (VCV002066676.8), dbSNP rs755957947, ClinGen allele CA067947.
Genomic context (GRCh38, chr3:123,708,833, plus strand): 5'-CCTCCGGGAACACTTCCTGGATACAAAGGCTGTGCTGAGTTCCTCTCTGTTCAAAGTGGA[A>C]GTCCTCTGACTCTTGGATCTCATTCCCATTGTGCAGCCAGATGACTTCAGGGGGTGGATT-3'
Protein context (NP_444253.3, residues 659-679): NGNEIQESED[Phe669Val]HFEQRGTQHS